The following is an entry in ClinVar:

NM_001190.4(BCAT2):c.220G>A (p.Gly74Ser)

Gene: BCAT2 (branched chain amino acid transaminase 2; minus strand). Cytogenetic location: 19q13.33.
Variant type: single nucleotide variant.
Coding change: c.220G>A on transcript NM_001190.4 (MANE Select); coding-DNA position 220, G replaced by A.
Protein change: p.Gly74Ser; replaces glycine 74 with serine.
Molecular consequence: missense variant. On other transcripts: intron variant (1).
Genome position (GRCh38, 1-based): chr19:48,806,597, C>T on the plus strand (G>A on the coding strand, the complement: BCAT2 is on the minus strand). VCF-style: chr19-48806597-C-T. GRCh37 (hg19) VCF-style: chr19-49309854-C-T.
Other names: c.100G>A, p.Gly34Ser (NM_001284325.2); c.24+4387G>A (NM_001164773.2); short protein forms G74S, G34S.
Identifiers: ClinVar variation 1520267 (VCV001520267.3), dbSNP rs142099967, ClinGen allele CA9558499.
Genomic context (GRCh38, chr19:48,806,597, plus strand): 5'-TGGAGGAGGCTGGGTGCAGCGTGAGGTTCTGGAAGGGCTGGATTCGGGGCTGGCCCCAGC[C>T]CTTGTCATTCCATTCCACCATCAGCATGTGGTCGGTAAATGTCTTCCCAAACACCAGGGG-3'
Protein context (NP_001181.2, residues 64-84): HMLMVEWNDK[Gly74Ser]WGQPRIQPFQ

ClinVar aggregate classification (germline): Uncertain significance (1 of 4 stars; one submission).

Allele frequency attached by ClinVar (database versions not stated): ExAC 0.00026; ESP Exome Variant Server 0.00031.
gnomAD v4.1: 1,246 of 1,614,136 alleles (0.077%); highest among the groups gnomAD compares: Non-Finnish European, 0.1%; 3 homozygotes.

Submission:

Labcorp Genetics (formerly Invitae), Labcorp
Classification: Uncertain significance. Last evaluated: 2022-03-13. Review status: criteria provided, single submitter. Criteria: Invitae Variant Classification Sherloc (09022015). Collection method: clinical testing. Allele origin: germline.
Comment: This sequence change replaces glycine, which is neutral and non-polar, with serine, which is neutral and polar, at codon 74 of the BCAT2 protein (p.Gly74Ser). This variant is present in population databases (rs142099967, gnomAD 0.07%). This variant has not been reported in the literature in individuals affected with BCAT2-related conditions. Algorithms developed to predict the effect of missense changes on protein structure and function (SIFT, PolyPhen-2, Align-GVGD) all suggest that this variant is likely to be disruptive. In summary, the available evidence is currently insufficient to determine the role of this variant in disease. Therefore, it has been classified as a Variant of Uncertain Significance.